The following is an entry in ClinVar:

NM_000282.4(PCCA):c.1003G>A (p.Val335Met)

Gene: PCCA (propionyl-CoA carboxylase subunit alpha; plus strand). Cytogenetic location: 13q32.3.
Variant type: single nucleotide variant.
Coding change: c.1003G>A on transcript NM_000282.4 (MANE Select); coding-DNA position 1003, G replaced by A.
Protein change: p.Val335Met; replaces valine 335 with methionine.
Molecular consequence: missense variant. On other transcripts: non-coding transcript variant (5).
Genome position (GRCh38, 1-based): chr13:100,273,284, G>A. VCF-style: chr13-100273284-G-A. GRCh37 (hg19) VCF-style: chr13-100925538-G-A.
Other names: c.925G>A, p.Val309Met (NM_001127692.3, NM_001352607.2, NM_001352608.2); c.1003G>A, p.Val335Met (NM_001178004.2, NM_001352605.2, NM_001352606.2 and 1 more transcripts); c.58G>A, p.Val20Met (NM_001352610.2, NM_001352611.2, NM_001352612.2); short protein forms V20M, V309M, V335M.
Identifiers: ClinVar variation 2498060 (VCV002498060.1), dbSNP rs374844969, ClinGen allele CA7033472.

ClinVar aggregate classification (germline): Uncertain significance (1 of 4 stars; one submission).

Allele frequency attached by ClinVar (database versions not stated): gnomAD 0.00001; ExAC 0.00002; TOPMed 0.00002; ESP Exome Variant Server 0.00008.
gnomAD v4.1: 10 of 1,611,278 alleles (0.00062%); highest among the groups gnomAD compares: Middle Eastern, 0.016%; no homozygotes.

Submission:

GeneDx
Classification: Uncertain significance. Last evaluated: 2022-10-06. Review status: criteria provided, single submitter. Criteria: GeneDx Variant Classification Process June 2021. Collection method: clinical testing. Allele origin: germline. Affected: yes.
Comment: Not observed at significant frequency in large population cohorts (gnomAD); In silico analysis supports that this missense variant has a deleterious effect on protein structure/function; Has not been previously published as pathogenic or benign to our knowledge